The following is an entry in ClinVar:

NM_000057.4(BLM):c.2643G>A (p.Trp881Ter)

Gene: BLM (BLM RecQ like helicase; plus strand). Cytogenetic location: 15q26.1.
Variant type: single nucleotide variant.
Coding change: c.2643G>A on transcript NM_000057.4 (MANE Select); coding-DNA position 2643, G replaced by A.
Protein change: p.Trp881Ter; replaces tryptophan 881 with a stop codon.
Molecular consequence: nonsense.
Genome position (GRCh38, 1-based): chr15:90,782,909, G>A. VCF-style: chr15-90782909-G-A. GRCh37 (hg19) VCF-style: chr15-91326139-G-A.
Other names: c.2643G>A, p.Trp881Ter (NM_001287246.2, NM_001287247.2); c.1518G>A, p.Trp506Ter (NM_001287248.2); c.2643G>A (LRG_20t1); short protein forms W881*, W506*.
Identifiers: ClinVar variation 42072 (VCV000042072.20), dbSNP rs367543039, ClinGen allele CA344509.
Genomic context (GRCh38, chr15:90,782,909, plus strand): 5'-TCTGAAATACTATGTATTACCGAAAAAGCCTAAAAAGGTGGCATTTGATTGCCTAGAATG[G>A]ATCAGAAAGCACCACCCATGTGAGTACAGCCATGTGATTAGCTGTCTAGAAGTAACAAAT-3'

ClinVar aggregate classification (germline): Pathogenic/Likely pathogenic. Review status: criteria provided, multiple submitters, no conflicts (2 of 4 stars). 7 submissions from 7 submitters: Pathogenic (5); Likely pathogenic (1). 1 of the submissions does not count toward it. Last evaluated 2024-07-16.

Conditions:
BLM-related disorder. Also called: BLM-related condition.
Hereditary cancer-predisposing syndrome. Also called: Tumor predisposition; Neoplastic Syndromes, Hereditary; Hereditary neoplastic syndrome; Hereditary Cancer Syndrome. Identifiers: Orphanet 140162, MedGen C0027672, MeSH D009386, MONDO:0015356.
Bloom syndrome (BLM). Also called: Bloom-Torre-Machacek syndrome. Identifiers: Orphanet 125, MedGen C0005859, MONDO:0008876, OMIM 210900.

Allele frequency attached by ClinVar (database versions not stated): ExAC 0.00001.
gnomAD v4.1: 1 of 1,612,586 alleles (0.000062%); highest among the groups gnomAD compares: Non-Finnish European, 0.000085%; no homozygotes.

Submissions (7):

Labcorp Genetics (formerly Invitae), Labcorp
Classification: Pathogenic for Bloom syndrome. Last evaluated: 2024-07-16. Review status: criteria provided, single submitter. Criteria: Invitae Variant Classification Sherloc (09022015). Collection method: clinical testing. Allele origin: germline.
Comment: This sequence change creates a premature translational stop signal (p.Trp881*) in the BLM gene. It is expected to result in an absent or disrupted protein product. Loss-of-function variants in BLM are known to be pathogenic (PMID: 17407155). The frequency data for this variant in the population databases is considered unreliable, as metrics indicate poor data quality at this position in the gnomAD database. This premature translational stop signal has been observed in individual(s) with Bloom syndrome (PMID: 17407155). ClinVar contains an entry for this variant (Variation ID: 42072). RNA analysis performed to evaluate the impact of this premature translational stop signal on mRNA splicing indicates it does not significantly alter splicing (Invitae). For these reasons, this variant has been classified as Pathogenic.

Fulgent Genetics
Classification: Pathogenic for Bloom syndrome. Last evaluated: 2024-03-26. Review status: criteria provided, single submitter. Criteria: ACMG Guidelines, 2015. Collection method: clinical testing. Allele origin: germline.

Natera, Inc.
Classification: Pathogenic for Bloom syndrome. Last evaluated: 2024-03-13. Review status: criteria provided, single submitter. Criteria: Natera Variant Classification Schema (03/2026). Collection method: clinical testing. Allele origin: germline.
Comment: The c.2643G>A variant in BLM is a nonsense variant predicted to introduce a stop codon at amino acid 881. This variant is expected to result in nonsense mediated decay, truncation, or a dysfunctional protein product. This variant is rare in the general population with a frequency below the threshold expected for the associated phenotype(s). This variant has been observed in one or more individuals affected with the associated recessive disease, as either homozygous or compound heterozygous with a second variant (PMID: 17407155). Given the available evidence, this variant is classified as Pathogenic.

Baylor Genetics
Classification: Pathogenic for Bloom syndrome. Last evaluated: 2024-01-30. Review status: criteria provided, single submitter. Criteria: ACMG Guidelines, 2015. Collection method: clinical testing. Allele origin: unknown.

Blueprint Genetics
Classification: Likely pathogenic for BLM-related disorders. Last evaluated: 2023-01-24. Review status: criteria provided, single submitter. Criteria: ACMG Guidelines, 2015. Collection method: clinical testing. Allele origin: germline. Affected: yes. Observed: 2 variant alleles.

Ambry Genetics
Classification: Pathogenic for Hereditary cancer-predisposing syndrome. Last evaluated: 2022-07-06. Review status: criteria provided, single submitter. Criteria: Ambry Variant Classification Scheme 2023. Collection method: clinical testing. Allele origin: germline.
Comment: The p.W881* pathogenic mutation (also known as c.2643G>A), located in coding exon 12 of the BLM gene, results from a G to A substitution at nucleotide position 2643. This changes the amino acid from a tryptophan to a stop codon within coding exon 12. This variant has been detected in the homozygous state in an individual diagnosed with Bloom syndrome (Renes JS et al. J Clin Endocrinol Metab, 2013 Oct;98:3932-8). In addition to the clinical data presented in the literature, this alteration is expected to result in loss of function by premature protein truncation or nonsense-mediated mRNA decay. As such, this alteration is interpreted as a disease-causing mutation.

Service de Génétique Moléculaire, Hôpital Robert Debré
Classification: Pathogenic for Bloom syndrome. Review status: no assertion criteria provided. Collection method: clinical testing. Allele origin: unknown. Affected: yes. Not counted in ClinVar's aggregate classification.

Literature cited by the submitters: PubMed 17407155 (cited by Labcorp Genetics (formerly Invitae), Labcorp and Natera, Inc.); PubMed 23928670 (cited by Ambry Genetics).